The following is an entry in ClinVar:

NM_000256.3(MYBPC3):c.3595_3596del (p.Met1199fs)

Gene: MYBPC3 (myosin binding protein C3; minus strand). Cytogenetic location: 11p11.2.
Variant type: Deletion.
Coding change: c.3595_3596del on transcript NM_000256.3 (MANE Select); coding-DNA positions 3595 to 3596, 2 bases deleted (AT; older notation c.3595_3596delAT).
Protein change: p.Met1199fs; shifts the reading frame from methionine 1199.
Molecular consequence: frameshift variant.
Genome position (GRCh38, 1-based): chr11:47,332,597-47,332,598, AT deleted on the plus strand (AT on the coding strand, the reverse complement: MYBPC3 is on the minus strand); deleting any 2 consecutive bases within chr11:47,332,597-47,332,599 gives the same sequence; the c. name uses the placement nearest the transcript's 3' end. VCF-style (leftmost placement, unchanged base first): chr11-47332596-CAT-C. GRCh37 (hg19) VCF-style: chr11-47354147-CAT-C.
Other names: short protein forms M1199fs.
Identifiers: ClinVar variation 2760232 (VCV002760232.3), dbSNP rs2495737867, ClinGen allele CA2697548541.

ClinVar aggregate classification (germline): Pathogenic (1 of 4 stars; one submission).

Conditions:
Hypertrophic cardiomyopathy. Also called: HYPERTROPHIC MYOCARDIOPATHY. Identifiers: Orphanet 217569, MedGen C0007194, MeSH D002312, MONDO:0005045, HP:0001639.

Submission:

Labcorp Genetics (formerly Invitae), Labcorp
Classification: Pathogenic for Hypertrophic cardiomyopathy. Last evaluated: 2023-09-12. Review status: criteria provided, single submitter. Criteria: Invitae Variant Classification Sherloc (09022015). Collection method: clinical testing. Allele origin: germline.
Comment: For these reasons, this variant has been classified as Pathogenic. This variant has not been reported in the literature in individuals affected with MYBPC3-related conditions. This variant is not present in population databases (gnomAD no frequency). This sequence change creates a premature translational stop signal (p.Met1199Alafs*8) in the MYBPC3 gene. It is expected to result in an absent or disrupted protein product. Loss-of-function variants in MYBPC3 are known to be pathogenic (PMID: 19574547).

Literature cited by the submitters: PubMed 19574547.